The following is an entry in ClinVar:

ClinVar aggregate classification (germline): Uncertain significance (1 of 4 stars; one submission).

Conditions:
Inborn genetic diseases. Identifiers: MedGen C0950123, MeSH D030342.

Submission:

Ambry Genetics
Classification: Uncertain significance for Inborn genetic diseases. Last evaluated: 2025-09-12. Review status: criteria provided, single submitter. Criteria: Ambry Variant Classification Scheme 2023. Collection method: clinical testing. Allele origin: germline.
Comment: The p.E231A variant (also known as c.692A>C), located in coding exon 3 of the FANCM gene, results from an A to C substitution at nucleotide position 692. The glutamic acid at codon 231 is replaced by alanine, an amino acid with dissimilar properties. This amino acid position is conserved. In addition, this alteration is predicted to be tolerated by in silico analysis. Based on the available evidence, the clinical significance of this variant remains unclear.

NM_020937.4(FANCM):c.692A>C (p.Glu231Ala)

Gene: FANCM (FA complementation group M; plus strand). Cytogenetic location: 14q21.2.
Variant type: single nucleotide variant.
Coding change: c.692A>C on transcript NM_020937.4 (MANE Select); coding-DNA position 692, A replaced by C.
Protein change: p.Glu231Ala; replaces glutamic acid 231 with alanine.
Molecular consequence: missense variant. On other transcripts: intron variant (1).
Genome position (GRCh38, 1-based): chr14:45,140,642, A>C. VCF-style: chr14-45140642-A-C. GRCh37 (hg19) VCF-style: chr14-45609845-A-C.
Other names: c.692A>C, p.Glu231Ala (NM_001308134.2); c.681+3401A>C (NM_001308133.2); short protein forms E231A.
Identifiers: ClinVar variation 4254752 (VCV004254752.1).